The following is an entry in ClinVar:

NM_001605.3(AARS1):c.37C>T (p.Arg13Ter)

Gene: AARS1 (alanyl-tRNA synthetase 1; minus strand). Cytogenetic location: 16q22.1.
Variant type: single nucleotide variant.
Coding change: c.37C>T on transcript NM_001605.3 (MANE Select); coding-DNA position 37, C replaced by T.
Protein change: p.Arg13Ter; replaces arginine 13 with a stop codon.
Molecular consequence: nonsense.
Genome position (GRCh38, 1-based): chr16:70,282,727, G>A on the plus strand (C>T on the coding strand, the complement: AARS1 is on the minus strand). VCF-style: chr16-70282727-G-A. GRCh37 (hg19) VCF-style: chr16-70316630-G-A.
Other names: c.37C>T (NM_001605.2); short protein forms R13*.
Identifiers: ClinVar variation 1682338 (VCV001682338.9), dbSNP rs761931081, ClinGen allele CA8141246.

ClinVar aggregate classification (germline): Pathogenic. Review status: criteria provided, multiple submitters, no conflicts (2 of 4 stars). 2 submissions from 2 submitters: Pathogenic (2). Last evaluated 2026-02-10.

Conditions:
Charcot-Marie-Tooth disease type 2. Also called: Charcot-Marie-Tooth type 2. Identifiers: Orphanet 64746, MedGen C0270914, MONDO:0018993.

Allele frequency attached by ClinVar (database versions not stated): ExAC 0.00001; gnomAD exomes 0.00001; gnomAD 0.00004 and 0.00005; TOPMed 0.00008.
gnomAD v4.1: 11 of 1,613,884 alleles (0.00068%); highest among the groups gnomAD compares: Admixed American, 0.0067%; no homozygotes.

Submissions (2):

GeneDx
Classification: Pathogenic. Last evaluated: 2026-02-10. Review status: criteria provided, single submitter. Criteria: GeneDx Variant Classification Process June 2021. Collection method: clinical testing. Allele origin: germline.
Comment: Nonsense variant predicted to result in protein truncation or nonsense mediated decay in a gene for which loss of function is a known mechanism of disease; Not observed at significant frequency in large population cohorts (gnomAD); Has not been previously published as pathogenic or benign to our knowledge

Labcorp Genetics (formerly Invitae), Labcorp
Classification: Pathogenic for Charcot-Marie-Tooth disease type 2. Last evaluated: 2025-12-17. Review status: criteria provided, single submitter. Criteria: Invitae Variant Classification Sherloc (09022015). Collection method: clinical testing. Allele origin: germline.
Comment: This sequence change creates a premature translational stop signal (p.Arg13*) in the AARS gene. It is expected to result in an absent or disrupted protein product. Loss-of-function variants in AARS are known to be pathogenic (PMID: 25817015, 28493438, 34446925). This variant is present in population databases (rs761931081, gnomAD 0.003%). This variant has not been reported in the literature in individuals affected with AARS-related conditions. ClinVar contains an entry for this variant (Variation ID: 1682338). For these reasons, this variant has been classified as Pathogenic.

Literature cited by the submitters: PubMed 25817015 (cited by Labcorp Genetics (formerly Invitae), Labcorp); PubMed 28493438 (cited by Labcorp Genetics (formerly Invitae), Labcorp); PubMed 34446925 (cited by Labcorp Genetics (formerly Invitae), Labcorp).